The following is an entry in ClinVar:

NM_005591.4(MRE11):c.842del (p.Lys281fs)

Gene: MRE11 (MRE11 double strand break repair nuclease; minus strand). Cytogenetic location: 11q21.
Variant type: Deletion.
Coding change: c.842del on transcript NM_005591.4 (MANE Select); coding-DNA position 842, one base deleted (A; older notation c.842delA).
Protein change: p.Lys281fs; shifts the reading frame from lysine 281.
Molecular consequence: frameshift variant.
Genome position (GRCh38, 1-based): chr11:94,471,577, T deleted on the plus strand (A on the coding strand, the reverse complement: MRE11 is on the minus strand); the first of 3 consecutive T bases (chr11:94,471,577-94,471,579); deleting any one gives the same sequence. VCF-style (leftmost placement, unchanged base first): chr11-94471576-CT-C. GRCh37 (hg19) VCF-style: chr11-94204742-CT-C.
Other names: c.842del, p.Lys281fs (NM_005590.4, NM_001330347.2); c.842delA (NM_005591.3); short protein forms K281fs.
Identifiers: ClinVar variation 1799696 (VCV001799696.2), dbSNP rs2496493871, ClinGen allele CA2580085064.

ClinVar aggregate classification (germline): Pathogenic (1 of 4 stars; one submission).

Conditions:
Hereditary cancer-predisposing syndrome. Also called: Neoplastic Syndromes, Hereditary; Tumor predisposition; Hereditary Cancer Syndrome; Hereditary neoplastic syndrome. Identifiers: Orphanet 140162, MedGen C0027672, MeSH D009386, MONDO:0015356.

Submission:

Ambry Genetics
Classification: Pathogenic for Hereditary cancer-predisposing syndrome. Last evaluated: 2015-12-01. Review status: criteria provided, single submitter. Criteria: Ambry Variant Classification Scheme 2023. Collection method: clinical testing. Allele origin: germline.
Comment: The c.842delA pathogenic mutation, located in coding exon 7 of the MRE11A gene, results from a deletion of one nucleotide at nucleotide position 842, causing a translational frameshift with a predicted alternate stop codon. Since frameshifts are typically deleterious in nature, this alteration is interpreted as a disease-causing mutation (ACMG Recommendations for Standards for Interpretation and Reporting of Sequence Variations. Revision 2007. Genet Med. 2008;10:294).